The following is an entry in ClinVar:

ClinVar aggregate classification (germline): Pathogenic/Likely pathogenic. Review status: criteria provided, multiple submitters, no conflicts (2 of 4 stars). 2 submissions from 2 submitters: Pathogenic (1); Likely pathogenic (1). Last evaluated 2022-12-20.

Conditions:
CLCN2-related disorder. Also called: CLCN2-related disorders; CLCN2-related condition.

Allele frequency attached by ClinVar (database versions not stated): gnomAD exomes below 0.00001; gnomAD 0.00002; 1000 Genomes Project 0.00020; 1000 Genomes Project 30x 0.00031.
gnomAD v4.1: 5 of 1,612,376 alleles (0.00031%); highest among the groups gnomAD compares: Admixed American, 0.0083%; no homozygotes.

Submissions (2):

Women's Health and Genetics/Laboratory Corporation of America, LabCorp
Classification: Likely pathogenic for CLCN2-Related Disorders. Last evaluated: 2022-12-20. Review status: criteria provided, single submitter. Criteria: LabCorp Variant Classification Summary - May 2015. Collection method: clinical testing. Allele origin: germline.
Comment: Variant summary: CLCN2 c.1855G>T (p.Glu619X) results in a premature termination codon, predicted to cause a truncation of the encoded protein or absence of the protein due to nonsense mediated decay, which are commonly known mechanisms for disease. Truncations downstream of this position have been reported in association with Leukodystrophy and Leukoencephalopathy in HGMD. Because this variant impacts the last nucleotide of exon 16, several computational tools predict a significant impact on normal splicing: Two predict the variant abolishes a 5' splicing donor site. Two predict the variant weakens a 5' donor site. However, these predictions have yet to be confirmed by functional studies. The variant allele was found at a frequency of 4e-06 in 248424 control chromosomes. To our knowledge, no occurrence of c.1855G>T in individuals affected with CLCN2-Related Disorders and no experimental evidence demonstrating its impact on protein function have been reported. No clinical diagnostic laboratories have submitted clinical-significance assessments for this variant to ClinVar after 2014. Based on the evidence outlined above, the variant was classified as likely pathogenic.

Labcorp Genetics (formerly Invitae), Labcorp
Classification: Pathogenic. Last evaluated: 2022-03-24. Review status: criteria provided, single submitter. Criteria: Invitae Variant Classification Sherloc (09022015). Collection method: clinical testing. Allele origin: germline.
Comment: For these reasons, this variant has been classified as Pathogenic. Algorithms developed to predict the effect of sequence changes on RNA splicing suggest that this variant may disrupt the consensus splice site. This variant has not been reported in the literature in individuals affected with CLCN2-related conditions. This variant is present in population databases (rs201976983, gnomAD 0.003%). This sequence change creates a premature translational stop signal (p.Glu619*) in the CLCN2 gene. It is expected to result in an absent or disrupted protein product. Loss-of-function variants in CLCN2 are known to be pathogenic (PMID: 23707145).

Literature cited by the submitters: PubMed 23707145 (cited by Labcorp Genetics (formerly Invitae), Labcorp).

NM_004366.6(CLCN2):c.1855G>T (p.Glu619Ter)

Gene: CLCN2 (chloride voltage-gated channel 2; minus strand). Cytogenetic location: 3q27.1.
Variant type: single nucleotide variant.
Coding change: c.1855G>T on transcript NM_004366.6 (MANE Select); coding-DNA position 1855, G replaced by T.
Protein change: p.Glu619Ter; replaces glutamic acid 619 with a stop codon.
Molecular consequence: nonsense.
Genome position (GRCh38, 1-based): chr3:184,353,662, C>A on the plus strand (G>T on the coding strand, the complement: CLCN2 is on the minus strand). VCF-style: chr3-184353662-C-A. GRCh37 (hg19) VCF-style: chr3-184071450-C-A.
Other names: c.1804G>T, p.Glu602Ter (NM_001171087.3); c.1723G>T, p.Glu575Ter (NM_001171088.3); c.1855G>T, p.Glu619Ter (NM_001171089.3); short protein forms E575*, E602*, E619*.
Identifiers: ClinVar variation 1820914 (VCV001820914.6), dbSNP rs201976983, ClinGen allele CA88894149.